The following is an entry in ClinVar:

ClinVar aggregate classification (germline): Uncertain significance (1 of 4 stars; one submission).

Allele frequency attached by ClinVar (database versions not stated): gnomAD 0.00003 and 0.00004.
gnomAD v4.1: 14 of 1,613,778 alleles (0.00087%); highest among the groups gnomAD compares: Admixed American, 0.02%; no homozygotes.

Submission:

Labcorp Genetics (formerly Invitae), Labcorp
Classification: Uncertain significance. Last evaluated: 2022-06-27. Review status: criteria provided, single submitter. Criteria: Invitae Variant Classification Sherloc (09022015). Collection method: clinical testing. Allele origin: germline.
Comment: This sequence change replaces histidine, which is basic and polar, with tyrosine, which is neutral and polar, at codon 236 of the TPP1 protein (p.His236Tyr). This variant is present in population databases (no rsID available, gnomAD 0.02%). This variant has not been reported in the literature in individuals affected with TPP1-related conditions. Advanced modeling of protein sequence and biophysical properties (such as structural, functional, and spatial information, amino acid conservation, physicochemical variation, residue mobility, and thermodynamic stability) performed at Invitae indicates that this missense variant is expected to disrupt TPP1 protein function. In summary, the available evidence is currently insufficient to determine the role of this variant in disease. Therefore, it has been classified as a Variant of Uncertain Significance.

NM_000391.4(TPP1):c.706C>T (p.His236Tyr)

Gene: TPP1 (tripeptidyl peptidase 1; minus strand). Cytogenetic location: 11p15.4.
Variant type: single nucleotide variant.
Coding change: c.706C>T on transcript NM_000391.4 (MANE Select); coding-DNA position 706, C replaced by T.
Protein change: p.His236Tyr; replaces histidine 236 with tyrosine.
Molecular consequence: missense variant.
Genome position (GRCh38, 1-based): chr11:6,616,841, G>A on the plus strand (C>T on the coding strand, the complement: TPP1 is on the minus strand). VCF-style: chr11-6616841-G-A. GRCh37 (hg19) VCF-style: chr11-6638072-G-A.
Other names: short protein forms H236Y.
Identifiers: ClinVar variation 1396469 (VCV001396469.5), dbSNP rs1414373834, ClinGen allele CA379475241.